The following is an entry in ClinVar:

NM_000492.4(CFTR):c.3399G>A (p.Leu1133=)

Genes: CFTR (CF transmembrane conductance regulator; plus strand), CFTR-AS2 (CFTR antisense RNA 2; minus strand). Cytogenetic location: 7q31.2.
Variant type: single nucleotide variant.
Coding change: c.3399G>A on transcript NM_000492.4 (MANE Select); coding-DNA position 3399, G replaced by A.
Protein change: p.Leu1133=; no amino-acid change (leucine 1133 retained).
Molecular consequence: synonymous variant.
Genome position (GRCh38, 1-based): chr7:117,614,644, G>A. VCF-style: chr7-117614644-G-A. GRCh37 (hg19) VCF-style: chr7-117254698-G-A.
Other names: c.3399G>A (NM_000492.3).
Identifiers: ClinVar variation 1133593 (VCV001133593.10), dbSNP rs1792456177, ClinGen allele CA457230172.

ClinVar aggregate classification (germline): Conflicting classifications of pathogenicity. Review status: criteria provided, conflicting classifications (1 of 4 stars). 2 submissions from 2 submitters: Uncertain significance (1); Likely benign (1). Last evaluated 2026-06-30.

Conditions:
Cystic fibrosis (CF). Also called: MUCOVISCIDOSIS. Identifiers: Orphanet 586, MedGen C0010674, MONDO:0009061, OMIM 219700. Disease mechanism: loss of function.

Submissions (2):

Ambry Genetics
Classification: Uncertain significance for Cystic fibrosis. Last evaluated: 2026-06-30. Review status: criteria provided, single submitter. Criteria: Ambry Variant Classification Scheme 2023. Collection method: clinical testing. Allele origin: germline.
Comment: The c.3399G>A variant (also known as p.L1133L), located in coding exon 21 of the CFTR gene, results from a G to A substitution at nucleotide position 3399. This nucleotide substitution does not change the amino acid at codon 1133. This nucleotide position is poorly conserved in available vertebrate species. In silico splice site analysis predicts that this alteration may weaken the native splice acceptor site. Based on the available evidence, the clinical significance of this variant remains unclear.

Labcorp Genetics (formerly Invitae), Labcorp
Classification: Likely benign for Cystic fibrosis. Last evaluated: 2019-10-17. Review status: criteria provided, single submitter. Criteria: Invitae Variant Classification Sherloc (09022015). Collection method: clinical testing. Allele origin: germline.